The following is an entry in ClinVar:

ClinVar aggregate classification (germline): Uncertain significance (1 of 4 stars; one submission).

Allele frequency attached by ClinVar (database versions not stated): gnomAD 0.00002.

Submission:

Labcorp Genetics (formerly Invitae), Labcorp
Classification: Uncertain significance. Last evaluated: 2025-09-02. Review status: criteria provided, single submitter. Criteria: Invitae Variant Classification Sherloc (09022015). Collection method: clinical testing. Allele origin: germline.
Comment: This sequence change creates a premature translational stop signal (p.Lys124Argfs*19) in the TMIE gene. While this is not anticipated to result in nonsense mediated decay, it is expected to disrupt the last 33 amino acid(s) of the TMIE protein. The frequency data for this variant in the population databases is considered unreliable, as metrics indicate poor data quality at this position in the gnomAD database. This variant has not been reported in the literature in individuals affected with TMIE-related conditions. ClinVar contains an entry for this variant (Variation ID: 1468022). This variant disrupts the C-terminus of the TMIE protein. Other variant(s) that disrupt this region (p.Gly154*) have been observed in individuals with TMIE-related conditions (PMID: 26445814). This suggests that this may be a clinically significant region of the protein. In summary, the available evidence is currently insufficient to determine the role of this variant in disease. Therefore, it has been classified as a Variant of Uncertain Significance.

Literature cited by the submitters: PubMed 26445814.

NM_147196.3(TMIE):c.367_368dup (p.Lys124fs)

Gene: TMIE (transmembrane inner ear; plus strand). Cytogenetic location: 3p21.31.
Variant type: Duplication.
Coding change: c.367_368dup on transcript NM_147196.3 (MANE Select); coding-DNA positions 367 to 368, 2 bases duplicated (AA; older notation c.367_368dupAA).
Protein change: p.Lys124fs; shifts the reading frame from lysine 124.
Molecular consequence: frameshift variant.
Genome position (GRCh38, 1-based): chr3:46,709,584-46,709,585, AA duplicated. VCF-style (leftmost placement, unchanged base first): chr3-46709583-T-TAA. GRCh37 (hg19) VCF-style: chr3-46751073-T-TAA.
Other names: c.208_209dup, p.Lys71fs (NM_001370524.1, NM_001370525.1); short protein forms K71fs, K124fs.
Identifiers: ClinVar variation 1468022 (VCV001468022.6), dbSNP rs1559497284, ClinGen allele CA543041683.
Genomic context (GRCh38, chr3:46,709,583, plus strand): 5'-AGACCCCAGGACCTTGTCTCACCACTATCACATGGTCTCTTCCCCCTGCCCCACAGAGGA[T>TAA]AAGAAGAAGAAGAAGAAGAAGAAGAAGGACAGTGTGGACACAGTGGCCATCAAAGTAGAG-3'